The following is an entry in ClinVar:

ClinVar aggregate classification (germline): Uncertain significance. Review status: criteria provided, multiple submitters, no conflicts (2 of 4 stars). 2 submissions from 2 submitters: Uncertain significance (2). Last evaluated 2022-12-19.

Allele frequency attached by ClinVar (database versions not stated): gnomAD exomes below 0.00001; TOPMed below 0.00001; gnomAD 0.00001.
gnomAD v4.1: 9 of 1,606,054 alleles (0.00056%); highest among the groups gnomAD compares: African/African-American, 0.0013%; no homozygotes.

Submissions (2):

GeneDx
Classification: Uncertain significance. Last evaluated: 2022-12-19. Review status: criteria provided, single submitter. Criteria: GeneDx Variant Classification Process June 2021. Collection method: clinical testing. Allele origin: germline. Affected: yes.
Comment: Not observed at significant frequency in large population cohorts (gnomAD); In silico analysis supports that this missense variant does not alter protein structure/function; Has not been previously published as pathogenic or benign to our knowledge

Labcorp Genetics (formerly Invitae), Labcorp
Classification: Uncertain significance. Last evaluated: 2022-01-06. Review status: criteria provided, single submitter. Criteria: Invitae Variant Classification Sherloc (09022015). Collection method: clinical testing. Allele origin: germline.
Comment: Algorithms developed to predict the effect of missense changes on protein structure and function are either unavailable or do not agree on the potential impact of this missense change (SIFT: "Tolerated"; PolyPhen-2: "Not Available"; Align-GVGD: "Class C0"). This variant has not been reported in the literature in individuals affected with KMT2B-related conditions. This variant is not present in population databases (gnomAD no frequency). This sequence change replaces aspartic acid, which is acidic and polar, with asparagine, which is neutral and polar, at codon 1623 of the KMT2B protein (p.Asp1623Asn). In summary, the available evidence is currently insufficient to determine the role of this variant in disease. Therefore, it has been classified as a Variant of Uncertain Significance.

NM_014727.3(KMT2B):c.4867G>A (p.Asp1623Asn)

Gene: KMT2B (lysine methyltransferase 2B; plus strand). Cytogenetic location: 19q13.12.
Variant type: single nucleotide variant.
Coding change: c.4867G>A on transcript NM_014727.3 (MANE Select); coding-DNA position 4867, G replaced by A.
Protein change: p.Asp1623Asn; replaces aspartic acid 1623 with asparagine.
Molecular consequence: missense variant.
Genome position (GRCh38, 1-based): chr19:35,729,246, G>A. VCF-style: chr19-35729246-G-A. GRCh37 (hg19) VCF-style: chr19-36220147-G-A.
Other names: c.4867G>A (NM_014727.2); short protein forms D1623N.
Identifiers: ClinVar variation 1916045 (VCV001916045.6), dbSNP rs1969590269, ClinGen allele CA405418149.